The following is an entry in ClinVar:

ClinVar aggregate classification (germline): Uncertain significance (1 of 4 stars; one submission).

Conditions:
Dilated cardiomyopathy 1M (CMD1M). Identifiers: Orphanet 154, MedGen C1843808, MONDO:0011840, OMIM 607482.
Hypertrophic cardiomyopathy 12. Identifiers: MedGen C2677491, MONDO:0012804, OMIM 612124.

Submission:

Labcorp Genetics (formerly Invitae), Labcorp
Classification: Uncertain significance for Hypertrophic cardiomyopathy 12; Dilated cardiomyopathy 1M. Last evaluated: 2024-12-03. Review status: criteria provided, single submitter. Criteria: Invitae Variant Classification Sherloc (09022015). Collection method: clinical testing. Allele origin: germline.
Comment: This sequence change replaces valine, which is neutral and non-polar, with isoleucine, which is neutral and non-polar, at codon 159 of the CSRP3 protein (p.Val159Ile). This variant is not present in population databases (gnomAD no frequency). This variant has not been reported in the literature in individuals affected with CSRP3-related conditions. An algorithm developed to predict the effect of missense changes on protein structure and function (PolyPhen-2) suggests that this variant is likely to be disruptive. In summary, the available evidence is currently insufficient to determine the role of this variant in disease. Therefore, it has been classified as a Variant of Uncertain Significance.

NM_003476.5(CSRP3):c.475G>A (p.Val159Ile)

Gene: CSRP3 (cysteine and glycine rich protein 3; minus strand). Cytogenetic location: 11p15.1.
Variant type: single nucleotide variant.
Coding change: c.475G>A on transcript NM_003476.5 (MANE Select); coding-DNA position 475, G replaced by A.
Protein change: p.Val159Ile; replaces valine 159 with isoleucine.
Molecular consequence: missense variant.
Genome position (GRCh38, 1-based): chr11:19,184,985, C>T on the plus strand (G>A on the coding strand, the complement: CSRP3 is on the minus strand). VCF-style: chr11-19184985-C-T. GRCh37 (hg19) VCF-style: chr11-19206532-C-T.
Other names: c.306G>A, p.Met102Ile (NM_001369404.1); short protein forms M102I, V159I.
Identifiers: ClinVar variation 3760655 (VCV003760655.2).